The following is an entry in ClinVar:

NM_181712.5(KANK4):c.2389G>A (p.Val797Met)

Gene: KANK4 (KN motif and ankyrin repeat domains 4; minus strand). Cytogenetic location: 1p31.3.
Variant type: single nucleotide variant.
Coding change: c.2389G>A on transcript NM_181712.5 (MANE Select); coding-DNA position 2389, G replaced by A.
Protein change: p.Val797Met; replaces valine 797 with methionine.
Molecular consequence: missense variant.
Genome position (GRCh38, 1-based): chr1:62,263,242, C>T on the plus strand (G>A on the coding strand, the complement: KANK4 is on the minus strand). VCF-style: chr1-62263242-C-T. GRCh37 (hg19) VCF-style: chr1-62728914-C-T.
Other names: c.505G>A, p.Val169Met (NM_001320269.2); short protein forms V169M, V797M.
Identifiers: ClinVar variation 2544004 (VCV002544004.4), dbSNP rs769918885, ClinGen allele CA884110.

ClinVar aggregate classification (germline): Uncertain significance. Review status: criteria provided, multiple submitters, no conflicts (2 of 4 stars). 2 submissions from 2 submitters: Uncertain significance (2). Last evaluated 2025-09-16.

Allele frequency attached by ClinVar (database versions not stated): gnomAD exomes 0.00001; ExAC 0.00004; gnomAD 0.00005; TOPMed 0.00005.
gnomAD v4.1: 29 of 1,613,680 alleles (0.0018%); highest among the groups gnomAD compares: African/African-American, 0.0093%; no homozygotes.

Submissions (2):

Labcorp Genetics (formerly Invitae), Labcorp
Classification: Uncertain significance. Last evaluated: 2025-09-16. Review status: criteria provided, single submitter. Criteria: Invitae Variant Classification Sherloc (09022015). Collection method: clinical testing. Allele origin: germline.
Comment: This sequence change replaces valine, which is neutral and non-polar, with methionine, which is neutral and non-polar, at codon 797 of the KANK4 protein (p.Val797Met). This variant is present in population databases (rs769918885, gnomAD 0.008%). This variant has not been reported in the literature in individuals affected with KANK4-related conditions. ClinVar contains an entry for this variant (Variation ID: 2544004). An algorithm developed to predict the effect of missense changes on protein structure and function outputs the following: PolyPhen-2: "Benign". The methionine amino acid residue is found in multiple mammalian species, which suggests that this missense change does not adversely affect protein function. In summary, the available evidence is currently insufficient to determine the role of this variant in disease. Therefore, it has been classified as a Variant of Uncertain Significance.

Ambry Genetics
Classification: Uncertain significance. Last evaluated: 2025-07-12. Review status: criteria provided, single submitter. Criteria: Ambry Variant Classification Scheme 2023. Collection method: clinical testing. Allele origin: germline.